The following is an entry in ClinVar:

NM_000256.3(MYBPC3):c.1061G>A (p.Gly354Asp)

Gene: MYBPC3 (myosin binding protein C3; minus strand). Cytogenetic location: 11p11.2.
Variant type: single nucleotide variant.
Coding change: c.1061G>A on transcript NM_000256.3 (MANE Select); coding-DNA position 1061, G replaced by A.
Protein change: p.Gly354Asp; replaces glycine 354 with aspartic acid.
Molecular consequence: missense variant.
Genome position (GRCh38, 1-based): chr11:47,346,236, C>T on the plus strand (G>A on the coding strand, the complement: MYBPC3 is on the minus strand). VCF-style: chr11-47346236-C-T. GRCh37 (hg19) VCF-style: chr11-47367787-C-T.
Other names: short protein forms G354D.
Identifiers: ClinVar variation 3400436 (VCV003400436.2).

ClinVar aggregate classification (germline): Uncertain significance. Review status: criteria provided, multiple submitters, no conflicts (2 of 4 stars). 2 submissions from 2 submitters: Uncertain significance (2). Last evaluated 2025-10-28.

Conditions:
Cardiovascular phenotype. Identifiers: MedGen CN230736.
Hypertrophic cardiomyopathy. Also called: HYPERTROPHIC MYOCARDIOPATHY. Identifiers: Orphanet 217569, MedGen C0007194, MeSH D002312, MONDO:0005045, HP:0001639.

Submissions (2):

Labcorp Genetics (formerly Invitae), Labcorp
Classification: Uncertain significance for Hypertrophic cardiomyopathy. Last evaluated: 2025-10-28. Review status: criteria provided, single submitter. Criteria: Invitae Variant Classification Sherloc (09022015). Collection method: clinical testing. Allele origin: germline.
Comment: This sequence change replaces glycine, which is neutral and non-polar, with aspartic acid, which is acidic and polar, at codon 354 of the MYBPC3 protein (p.Gly354Asp). This variant is not present in population databases (gnomAD no frequency). This variant has not been reported in the literature in individuals affected with MYBPC3-related conditions. ClinVar contains an entry for this variant (Variation ID: 3400436). An algorithm developed to predict the effect of missense changes on protein structure and function (PolyPhen-2) suggests that this variant is likely to be disruptive. In summary, the available evidence is currently insufficient to determine the role of this variant in disease. Therefore, it has been classified as a Variant of Uncertain Significance.

Ambry Genetics
Classification: Uncertain significance for Cardiovascular phenotype. Last evaluated: 2024-12-09. Review status: criteria provided, single submitter. Criteria: Ambry Variant Classification Scheme 2023. Collection method: clinical testing. Allele origin: germline.
Comment: The p.G354D variant (also known as c.1061G>A), located in coding exon 12 of the MYBPC3 gene, results from a G to A substitution at nucleotide position 1061. The glycine at codon 354 is replaced by aspartic acid, an amino acid with similar properties. This amino acid position is conserved. In addition, this alteration is predicted to be tolerated by in silico analysis. Based on the available evidence, the clinical significance of this variant remains unclear.